The following is an entry in ClinVar:

ClinVar aggregate classification (germline): Uncertain significance (1 of 4 stars; one submission).

Conditions:
Charcot-Marie-Tooth disease type 2. Also called: Charcot-Marie-Tooth type 2. Identifiers: Orphanet 64746, MedGen C0270914, MONDO:0018993.

Allele frequency attached by ClinVar (database versions not stated): gnomAD exomes below 0.00001.
gnomAD v4.1: 2 of 1,613,950 alleles (0.00012%); highest among the groups gnomAD compares: Non-Finnish European, 0.00017%; no homozygotes.

Submission:

Labcorp Genetics (formerly Invitae), Labcorp
Classification: Uncertain significance for Charcot-Marie-Tooth disease type 2. Last evaluated: 2025-02-02. Review status: criteria provided, single submitter. Criteria: Invitae Variant Classification Sherloc (09022015). Collection method: clinical testing. Allele origin: germline.
Comment: This sequence change replaces glutamic acid, which is acidic and polar, with lysine, which is basic and polar, at codon 330 of the LMNA protein (p.Glu330Lys). This variant is not present in population databases (gnomAD no frequency). This variant has not been reported in the literature in individuals affected with LMNA-related conditions. ClinVar contains an entry for this variant (Variation ID: 1017837). Invitae Evidence Modeling of protein sequence and biophysical properties (such as structural, functional, and spatial information, amino acid conservation, physicochemical variation, residue mobility, and thermodynamic stability) indicates that this missense variant is expected to disrupt LMNA protein function with a positive predictive value of 95%. In summary, the available evidence is currently insufficient to determine the role of this variant in disease. Therefore, it has been classified as a Variant of Uncertain Significance.

NM_170707.4(LMNA):c.988G>A (p.Glu330Lys)

Gene: LMNA (lamin A/C; plus strand). Cytogenetic location: 1q22.
Variant type: single nucleotide variant.
Coding change: c.988G>A on transcript NM_170707.4 (MANE Select); coding-DNA position 988, G replaced by A.
Protein change: p.Glu330Lys; replaces glutamic acid 330 with lysine.
Molecular consequence: missense variant.
Genome position (GRCh38, 1-based): chr1:156,135,952, G>A. VCF-style: chr1-156135952-G-A. GRCh37 (hg19) VCF-style: chr1-156105743-G-A.
Other names: c.988G>A, p.Glu330Lys (NM_170708.4, NM_001282625.2, NM_001282626.2 and 1 more transcripts); c.652G>A, p.Glu218Lys (NM_001257374.3); c.745G>A, p.Glu249Lys (NM_001282624.2); short protein forms E218K, E249K, E330K.
Identifiers: ClinVar variation 1017837 (VCV001017837.8), dbSNP rs1060502211, ClinGen allele CA342820135.